The following is an entry in ClinVar:

ClinVar aggregate classification (germline): Uncertain significance. Review status: criteria provided, multiple submitters, no conflicts (2 of 4 stars). 2 submissions from 2 submitters: Uncertain significance (2). Last evaluated 2022-07-26.

Conditions:
Autosomal recessive spinocerebellar ataxia 12. Also called: SPINOCEREBELLAR ATAXIA WITH MENTAL RETARDATION AND EPILEPSY. Identifiers: Orphanet 284282, MedGen C3280452, MONDO:0013687, OMIM 614322.
Developmental and epileptic encephalopathy, 1 (DEE1). Also called: X-linked infantile spasms; West's syndrome; Tonic spasms with clustering, arrest of psychomotor development and hypsarrhythmia on EEG; X-Linked Infantile Spasm Syndrome; OHTAHARA SYNDROME, X-LINKED; INFANTILE SPASM SYNDROME, X-LINKED 1. Identifiers: MedGen C3463992, MONDO:0010632, OMIM 308350. Disease mechanism: loss of function.

Allele frequency attached by ClinVar (database versions not stated): ExAC 0.00001; gnomAD 0.00001 and 0.00002; gnomAD exomes 0.00001; TOPMed 0.00004.
gnomAD v4.1: 28 of 1,614,002 alleles (0.0017%); highest among the groups gnomAD compares: African/African-American, 0.0027%; no homozygotes.

Submissions (2):

Labcorp Genetics (formerly Invitae), Labcorp
Classification: Uncertain significance for Developmental and epileptic encephalopathy, 1; Autosomal recessive spinocerebellar ataxia 12. Last evaluated: 2022-07-26. Review status: criteria provided, single submitter. Criteria: Invitae Variant Classification Sherloc (09022015). Collection method: clinical testing. Allele origin: germline.
Comment: This sequence change replaces serine, which is neutral and polar, with phenylalanine, which is neutral and non-polar, at codon 271 of the WWOX protein (p.Ser271Phe). This variant is present in population databases (rs758222414, gnomAD 0.002%). This variant has not been reported in the literature in individuals affected with WWOX-related conditions. ClinVar contains an entry for this variant (Variation ID: 944720). Algorithms developed to predict the effect of missense changes on protein structure and function output the following: SIFT: "Not Available"; PolyPhen-2: "Benign"; Align-GVGD: "Not Available". The phenylalanine amino acid residue is found in multiple mammalian species, which suggests that this missense change does not adversely affect protein function. In summary, the available evidence is currently insufficient to determine the role of this variant in disease. Therefore, it has been classified as a Variant of Uncertain Significance.

Blueprint Genetics
Classification: Uncertain significance. Last evaluated: 2019-07-31. Review status: criteria provided, single submitter. Criteria: ACMG Guidelines, 2015. Collection method: clinical testing. Allele origin: germline.

NM_016373.4(WWOX):c.812C>T (p.Ser271Phe)

Gene: WWOX (WW domain containing oxidoreductase; plus strand). Cytogenetic location: 16q23.1.
Variant type: single nucleotide variant.
Coding change: c.812C>T on transcript NM_016373.4 (MANE Select); coding-DNA position 812, C replaced by T.
Protein change: p.Ser271Phe; replaces serine 271 with phenylalanine.
Molecular consequence: missense variant.
Genome position (GRCh38, 1-based): chr16:78,432,508, C>T. VCF-style: chr16-78432508-C-T. GRCh37 (hg19) VCF-style: chr16-78466405-C-T.
Other names: c.473C>T, p.Ser158Phe (NM_001291997.2); short protein forms S158F, S271F.
Identifiers: ClinVar variation 944720 (VCV000944720.6), dbSNP rs758222414, ClinGen allele CA8183501.